The following is an entry in ClinVar:

NM_177438.3(DICER1):c.4307C>A (p.Ala1436Asp)

Gene: DICER1 (dicer 1, ribonuclease III; minus strand). Cytogenetic location: 14q32.13.
Variant type: single nucleotide variant.
Coding change: c.4307C>A on transcript NM_177438.3 (MANE Select); coding-DNA position 4307, C replaced by A.
Protein change: p.Ala1436Asp; replaces alanine 1436 with aspartic acid.
Molecular consequence: missense variant.
Genome position (GRCh38, 1-based): chr14:95,096,613, G>T on the plus strand (C>A on the coding strand, the complement: DICER1 is on the minus strand). VCF-style: chr14-95096613-G-T. GRCh37 (hg19) VCF-style: chr14-95562950-G-T.
Other names: c.4307C>A, p.Ala1436Asp (NM_001195573.1, NM_001271282.3, NM_001291628.2 and 1 more transcripts); short protein forms A1436D.
Identifiers: ClinVar variation 412140 (VCV000412140.15), dbSNP rs777127946, ClinGen allele CA7330860.

ClinVar aggregate classification (germline): Uncertain significance. Review status: criteria provided, multiple submitters, no conflicts (2 of 4 stars). 5 submissions from 5 submitters: Uncertain significance (5). Last evaluated 2025-12-21.

Conditions:
Global developmental delay - lung cysts - overgrowth - Wilms tumor syndrome. Also called: GLOW Syndrome; GLOBAL DEVELOPMENTAL DELAY, LUNG CYSTS, OVERGROWTH, AND WILMS TUMOR. Identifiers: Orphanet 404476, MedGen C4748924, MONDO:0018445, OMIM 618272.
Rhabdomyosarcoma, embryonal, 2 (RMSE2). Identifiers: MedGen C1867234, MONDO:0859046, OMIM 180295.
Euthyroid goiter (MNG1). Also called: Goiter, multinodular 1, with or without Sertoli-Leydig cell tumors; GOITER, NONTOXIC, WITH INTRATHYROIDAL CALCIFICATION; MULTINODULAR GOITER, ADOLESCENT; SIMPLE GOITER. Identifiers: Orphanet 276399, MedGen C0302859, MONDO:0007681, OMIM 138800, HP:0009798.
Pleuropulmonary blastoma (PPB). Identifiers: Orphanet 64742, MedGen C1266144, MONDO:0011014, OMIM 601200, HP:0100528.
DICER1-related tumor predisposition. Also called: DICER1-related pleuropulmonary blastoma cancer predisposition syndrome; DICER1 syndrome. Identifiers: Orphanet 284343, MedGen C3839822, MONDO:0100216.
Hereditary cancer-predisposing syndrome. Also called: Hereditary neoplastic syndrome; Neoplastic Syndromes, Hereditary; Tumor predisposition; Hereditary Cancer Syndrome. Identifiers: Orphanet 140162, MedGen C0027672, MeSH D009386, MONDO:0015356.

Allele frequency attached by ClinVar (database versions not stated): gnomAD exomes below 0.00001; TOPMed below 0.00001; ExAC 0.00001.
gnomAD v4.1: 1 of 1,611,634 alleles (0.000062%); highest among the groups gnomAD compares: Admixed American, 0.0017%; no homozygotes.

Submissions (5):

Labcorp Genetics (formerly Invitae), Labcorp
Classification: Uncertain significance for DICER1-related tumor predisposition. Last evaluated: 2025-12-21. Review status: criteria provided, single submitter. Criteria: Invitae Variant Classification Sherloc (09022015). Collection method: clinical testing. Allele origin: germline.
Comment: This sequence change replaces alanine, which is neutral and non-polar, with aspartic acid, which is acidic and polar, at codon 1436 of the DICER1 protein (p.Ala1436Asp). This variant is present in population databases (rs777127946, gnomAD 0.003%). This variant has not been reported in the literature in individuals affected with DICER1-related conditions. ClinVar contains an entry for this variant (Variation ID: 412140). Invitae Evidence Modeling of protein sequence and biophysical properties (such as structural, functional, and spatial information, amino acid conservation, physicochemical variation, residue mobility, and thermodynamic stability) indicates that this missense variant is not expected to disrupt DICER1 protein function with a negative predictive value of 95%. In summary, the available evidence is currently insufficient to determine the role of this variant in disease. Therefore, it has been classified as a Variant of Uncertain Significance.

Quest Diagnostics Nichols Institute San Juan Capistrano
Classification: Uncertain significance. Last evaluated: 2025-07-31. Review status: criteria provided, single submitter. Criteria: Quest Diagnostics criteria. Collection method: clinical testing. Allele origin: unknown.
Comment: The DICER1 c.4307C>A (p.Ala1436Asp) variant has not been reported in individuals with DICER1-related conditions in the published literature. The frequency of this variant in the general population (Genome Aggregation Database) is uninformative in the assessment of its pathogenicity. Analysis of this variant using bioinformatics tools for the prediction of the effect of amino acid changes on protein structure and function yielded predictions that this variant is benign. Based on the available information, we are unable to determine the clinical significance of this variant.

Baylor Genetics
Classification: Uncertain significance for Global developmental delay - lung cysts - overgrowth - Wilms tumor syndrome. Last evaluated: 2024-03-29. Review status: criteria provided, single submitter. Criteria: ACMG Guidelines, 2015. Collection method: clinical testing. Allele origin: unknown.

Fulgent Genetics
Classification: Uncertain significance for Euthyroid goiter; Rhabdomyosarcoma, embryonal, 2; Pleuropulmonary blastoma; Global developmental delay - lung cysts - overgrowth - Wilms tumor syndrome. Last evaluated: 2024-03-01. Review status: criteria provided, single submitter. Criteria: ACMG Guidelines, 2015. Collection method: clinical testing. Allele origin: germline.

Ambry Genetics
Classification: Uncertain significance for Hereditary cancer-predisposing syndrome. Last evaluated: 2023-11-15. Review status: criteria provided, single submitter. Criteria: Ambry Variant Classification Scheme 2023. Collection method: clinical testing. Allele origin: germline.
Comment: The p.A1436D variant (also known as c.4307C>A), located in coding exon 22 of the DICER1 gene, results from a C to A substitution at nucleotide position 4307. The alanine at codon 1436 is replaced by aspartic acid, an amino acid with dissimilar properties. This amino acid position is not well conserved in available vertebrate species. In addition, the in silico prediction for this alteration is inconclusive. Since supporting evidence is limited at this time, the clinical significance of this alteration remains unclear.